The following is an entry in ClinVar:

ClinVar aggregate classification (germline): Pathogenic/Likely pathogenic. Review status: criteria provided, multiple submitters, no conflicts (2 of 4 stars). 5 submissions from 5 submitters: Pathogenic (1); Likely pathogenic (4). Last evaluated 2025-12-30.

Conditions:
CEP290-related disorder. Also called: CEP290-related condition; CEP290-related disorders. Identifiers: MedGen CN239314.
Meckel-Gruber syndrome. Also called: GRUBER SYNDROME; DYSENCEPHALIA SPLANCHNOCYSTICA; Dysencephalia splachnocystica. Identifiers: Orphanet 564, MedGen C0265215, MONDO:0018921.
Joubert syndrome. Also called: Familial aplasia of the vermis; JOUBERT-BOLTSHAUSER SYNDROME. Identifiers: Orphanet 475, MedGen C5979921, MONDO:0018772.
Nephronophthisis. Also called: Juvenile Nephronophthisis. Identifiers: Orphanet 655, MedGen C0687120, MONDO:0019005, HP:0000090.
Leber congenital amaurosis (LCA). Also called: Leber's amaurosis. Identifiers: Orphanet 65, MedGen C0339527, MeSH D057130, MONDO:0018998.
Bardet-Biedl syndrome 14 (BBS14). Identifiers: Orphanet 110, MedGen C2673874, MONDO:0014442, OMIM 615991.

Allele frequency attached by ClinVar (database versions not stated): gnomAD 0.00001; gnomAD exomes 0.00001 and 0.00002; TOPMed 0.00004; ExAC 0.00006.
gnomAD v4.1: 20 of 1,606,792 alleles (0.0012%); highest among the groups gnomAD compares: Non-Finnish European, 0.0017%; no homozygotes.

Submissions (5):

Natera, Inc.
Classification: Likely pathogenic for Leber congenital amaurosis. Last evaluated: 2025-12-30. Review status: criteria provided, single submitter. Criteria: Natera Variant Classification Schema (03/2026). Collection method: clinical testing. Allele origin: germline.
Comment: The c.1190-2A>G variant in CEP290 is a canonical splice acceptor site variant predicted to affect pre-mRNA splicing, which may result in an abnormal transcript and altered protein product. This variant is expected to result in nonsense mediated decay, truncation, or a dysfunctional protein product. This variant is rare in the general population with a frequency below the threshold expected for the associated phenotype(s). Given the available evidence, this variant is classified as Likely Pathogenic.

Baylor Genetics
Classification: Likely pathogenic for Bardet-Biedl syndrome 14. Last evaluated: 2024-03-09. Review status: criteria provided, single submitter. Criteria: ACMG Guidelines, 2015. Collection method: clinical testing. Allele origin: unknown.

Labcorp Genetics (formerly Invitae), Labcorp
Classification: Likely pathogenic for Joubert syndrome; Meckel-Gruber syndrome; Nephronophthisis. Last evaluated: 2023-06-07. Review status: criteria provided, single submitter. Criteria: Invitae Variant Classification Sherloc (09022015). Collection method: clinical testing. Allele origin: germline.
Comment: In summary, the currently available evidence indicates that the variant is pathogenic, but additional data are needed to prove that conclusively. Therefore, this variant has been classified as Likely Pathogenic. Algorithms developed to predict the effect of sequence changes on RNA splicing suggest that this variant may disrupt the consensus splice site. ClinVar contains an entry for this variant (Variation ID: 450433). This variant has not been reported in the literature in individuals affected with CEP290-related conditions. This variant is present in population databases (rs200818935, gnomAD 0.005%). This sequence change affects an acceptor splice site in intron 13 of the CEP290 gene. It is expected to disrupt RNA splicing. Variants that disrupt the donor or acceptor splice site typically lead to a loss of protein function (PMID: 16199547), and loss-of-function variants in CEP290 are known to be pathogenic (PMID: 16909394, 17345604, 20690115).

Blueprint Genetics
Classification: Likely pathogenic for CEP290-related disorders. Last evaluated: 2022-06-10. Review status: criteria provided, single submitter. Criteria: ACMG Guidelines, 2015. Collection method: clinical testing. Allele origin: germline. Affected: yes. Observed: 3 variant alleles.

GeneDx
Classification: Pathogenic. Last evaluated: 2019-08-10. Review status: criteria provided, single submitter. Criteria: GeneDx Variant Classification Process June 2021. Collection method: clinical testing. Allele origin: germline. Affected: yes.
Comment: Canonical splice site variant in a gene for which loss-of-function is a known mechanism of disease; Not observed at a significant frequency in large population cohorts (Lek et al., 2016); Has not been previously published as pathogenic or benign to our knowledge

Literature cited by the submitters: PubMed 16199547 (cited by Labcorp Genetics (formerly Invitae), Labcorp); PubMed 16909394 (cited by Labcorp Genetics (formerly Invitae), Labcorp); PubMed 17345604 (cited by Labcorp Genetics (formerly Invitae), Labcorp); PubMed 20690115 (cited by Labcorp Genetics (formerly Invitae), Labcorp).

NM_025114.4(CEP290):c.1190-2A>G

Gene: CEP290 (centrosomal protein 290; minus strand). Cytogenetic location: 12q21.32.
Variant type: single nucleotide variant.
Coding change: c.1190-2A>G on transcript NM_025114.4 (MANE Select); the canonical splice acceptor site of the intron before coding-DNA position 1190, A replaced by G.
Molecular consequence: splice acceptor variant.
Genome position (GRCh38, 1-based): chr12:88,121,168, T>C on the plus strand (A>G on the coding strand, the complement: CEP290 is on the minus strand). VCF-style: chr12-88121168-T-C. GRCh37 (hg19) VCF-style: chr12-88514945-T-C.
Identifiers: ClinVar variation 450433 (VCV000450433.15), dbSNP rs200818935, ClinGen allele CA6712608.